The following is an entry in ClinVar:

NM_000038.6(APC):c.5345A>C (p.Asn1782Thr)

Gene: APC (APC regulator of Wnt signaling pathway; plus strand). Cytogenetic location: 5q22.2.
Variant type: single nucleotide variant.
Coding change: c.5345A>C on transcript NM_000038.6 (MANE Select); coding-DNA position 5345, A replaced by C.
Protein change: p.Asn1782Thr; replaces asparagine 1782 with threonine.
Molecular consequence: missense variant. On other transcripts: non-coding transcript variant (2).
Genome position (GRCh38, 1-based): chr5:112,840,939, A>C. VCF-style: chr5-112840939-A-C. GRCh37 (hg19) VCF-style: chr5-112176636-A-C.
Other names: c.5072A>C, p.Asn1691Thr (NM_001354902.2); c.5042A>C, p.Asn1681Thr (NM_001354903.2, NM_001407458.1, NM_001407459.1 and 1 more transcripts); c.4967A>C, p.Asn1656Thr (NM_001354904.2); c.5399A>C, p.Asn1800Thr (NM_001407447.1, NM_001407448.1, NM_001354896.2 and 1 more transcripts); c.4865A>C, p.Asn1622Thr (NM_001354905.2); c.4496A>C, p.Asn1499Thr (NM_001354906.2, NM_001407470.1); c.5429A>C, p.Asn1810Thr (NM_001407446.1); c.5345A>C, p.Asn1782Thr (NM_001127510.3, NM_001354895.2, NM_001407450.1); and 11 more; short protein forms N1499T, N1681T, N1699T, N1723T, N1741T, N1764T, N1792T, N1754T.
Identifiers: ClinVar variation 2746070 (VCV002746070.3), dbSNP rs1474802233, ClinGen allele CA16033013.

ClinVar aggregate classification (germline): Uncertain significance (1 of 4 stars; one submission).

Conditions:
Familial adenomatous polyposis 1 (FAP1). Also called: FAMILIAL ADENOMATOUS POLYPOSIS 1, ATTENUATED; POLYPOSIS, ADENOMATOUS INTESTINAL. Identifiers: MedGen C2713442, MONDO:0021056, OMIM 175100. Disease mechanism: loss of function.

Submission:

Labcorp Genetics (formerly Invitae), Labcorp
Classification: Uncertain significance for Familial adenomatous polyposis 1. Last evaluated: 2023-07-24. Review status: criteria provided, single submitter. Criteria: Invitae Variant Classification Sherloc (09022015). Collection method: clinical testing. Allele origin: germline.
Comment: This sequence change replaces asparagine, which is neutral and polar, with threonine, which is neutral and polar, at codon 1782 of the APC protein (p.Asn1782Thr). This variant is not present in population databases (gnomAD no frequency). This variant has not been reported in the literature in individuals affected with APC-related conditions. Advanced modeling of protein sequence and biophysical properties (such as structural, functional, and spatial information, amino acid conservation, physicochemical variation, residue mobility, and thermodynamic stability) performed at Invitae indicates that this missense variant is not expected to disrupt APC protein function. In summary, the available evidence is currently insufficient to determine the role of this variant in disease. Therefore, it has been classified as a Variant of Uncertain Significance.